The following is an entry in ClinVar:

NM_001077446.4(TSEN34):c.115G>A (p.Gly39Arg)

Gene: TSEN34 (tRNA splicing endonuclease subunit 34; plus strand). Cytogenetic location: 19q13.42.
Variant type: single nucleotide variant.
Coding change: c.115G>A on transcript NM_001077446.4 (MANE Select); coding-DNA position 115, G replaced by A.
Protein change: p.Gly39Arg; replaces glycine 39 with arginine.
Molecular consequence: missense variant.
Genome position (GRCh38, 1-based): chr19:54,191,479, G>A. VCF-style: chr19-54191479-G-A. GRCh37 (hg19) VCF-style: chr19-54695330-G-A.
Other names: c.115G>A, p.Gly39Arg (NM_001282332.2, NM_001282333.2, NM_001386740.1 and 1 more transcripts); c.115G>A (NM_024075.3); short protein forms G39R.
Identifiers: ClinVar variation 2960031 (VCV002960031.5), dbSNP rs764561719, ClinGen allele CA309372862.

ClinVar aggregate classification (germline): Uncertain significance. Review status: criteria provided, multiple submitters, no conflicts (2 of 4 stars). 3 submissions from 3 submitters: Uncertain significance (3). Last evaluated 2025-04-14.

Allele frequency attached by ClinVar (database versions not stated): gnomAD exomes 0.00001; gnomAD 0.00017; TOPMed 0.00043.
gnomAD v4.1: 51 of 1,554,426 alleles (0.0033%); highest among the groups gnomAD compares: Admixed American, 0.073%; no homozygotes.

Submissions (3):

Labcorp Genetics (formerly Invitae), Labcorp
Classification: Uncertain significance. Last evaluated: 2025-04-14. Review status: criteria provided, single submitter. Criteria: Invitae Variant Classification Sherloc (09022015). Collection method: clinical testing. Allele origin: germline.
Comment: This sequence change replaces glycine, which is neutral and non-polar, with arginine, which is basic and polar, at codon 39 of the TSEN34 protein (p.Gly39Arg). This variant is present in population databases (rs764561719, gnomAD 0.006%). This variant has not been reported in the literature in individuals affected with TSEN34-related conditions. ClinVar contains an entry for this variant (Variation ID: 2960031). An algorithm developed to predict the effect of missense changes on protein structure and function (PolyPhen-2) suggests that this variant is likely to be tolerated. In summary, the available evidence is currently insufficient to determine the role of this variant in disease. Therefore, it has been classified as a Variant of Uncertain Significance.

GeneDx
Classification: Uncertain significance. Last evaluated: 2024-12-18. Review status: criteria provided, single submitter. Criteria: GeneDx Variant Classification Process June 2021. Collection method: clinical testing. Allele origin: germline. Affected: yes.
Comment: Not observed at significant frequency in large population cohorts (gnomAD); In silico analysis indicates that this missense variant does not alter protein structure/function; Has not been previously published as pathogenic or benign to our knowledge; In silico analysis suggests this variant may impact gene splicing. In the absence of RNA/functional studies, the actual effect of this sequence change is unknown.

Ambry Genetics
Classification: Uncertain significance. Last evaluated: 2021-08-30. Review status: criteria provided, single submitter. Criteria: Ambry Variant Classification Scheme 2023. Collection method: clinical testing. Allele origin: germline.